The following is an entry in ClinVar:

NM_000246.4(CIITA):c.1432G>T (p.Val478Leu)

Gene: CIITA (class II major histocompatibility complex transactivator; plus strand). Cytogenetic location: 16p13.13.
Variant type: single nucleotide variant.
Coding change: c.1432G>T on transcript NM_000246.4 (MANE Select); coding-DNA position 1432, G replaced by T.
Protein change: p.Val478Leu; replaces valine 478 with leucine.
Molecular consequence: missense variant. On other transcripts: intron variant (1).
Genome position (GRCh38, 1-based): chr16:10,906,924, G>T. VCF-style: chr16-10906924-G-T. GRCh37 (hg19) VCF-style: chr16-11000781-G-T.
Other names: c.1435G>T, p.Val479Leu (NM_001286402.1, NM_001379332.1); c.1288G>T, p.Val430Leu (NM_001379330.1); c.1285G>T, p.Val429Leu (NM_001379331.1); c.1432G>T, p.Val478Leu (NM_001379333.1); c.1363G>T, p.Val455Leu (NM_001379334.1); c.860-2059G>T (NM_001286403.2); short protein forms V430L, V455L, V478L, V479L, V429L.
Identifiers: ClinVar variation 1962420 (VCV001962420.5), dbSNP rs749736732, ClinGen allele CA394730746.

ClinVar aggregate classification (germline): Uncertain significance (1 of 4 stars; one submission).

Conditions:
MHC class II deficiency. Also called: Bare lymphocyte syndrome 2; BLS, TYPE II. Identifiers: Orphanet 572, MedGen C5447452, MONDO:0008855.

Submission:

Labcorp Genetics (formerly Invitae), Labcorp
Classification: Uncertain significance for MHC class II deficiency. Last evaluated: 2022-07-06. Review status: criteria provided, single submitter. Criteria: Invitae Variant Classification Sherloc (09022015). Collection method: clinical testing. Allele origin: germline.
Comment: In summary, the available evidence is currently insufficient to determine the role of this variant in disease. Therefore, it has been classified as a Variant of Uncertain Significance. Algorithms developed to predict the effect of missense changes on protein structure and function (SIFT, PolyPhen-2, Align-GVGD) all suggest that this variant is likely to be tolerated. This variant has not been reported in the literature in individuals affected with CIITA-related conditions. This variant is not present in population databases (gnomAD no frequency). This sequence change replaces valine, which is neutral and non-polar, with leucine, which is neutral and non-polar, at codon 478 of the CIITA protein (p.Val478Leu).